The following is an entry in ClinVar:

NM_000069.3(CACNA1S):c.4237G>A (p.Ala1413Thr)

Gene: CACNA1S (calcium voltage-gated channel subunit alpha1 S; minus strand). Cytogenetic location: 1q32.1.
Variant type: single nucleotide variant.
Coding change: c.4237G>A on transcript NM_000069.3 (MANE Select); coding-DNA position 4237, G replaced by A.
Protein change: p.Ala1413Thr; replaces alanine 1413 with threonine.
Molecular consequence: missense variant.
Genome position (GRCh38, 1-based): chr1:201,050,393, C>T on the plus strand (G>A on the coding strand, the complement: CACNA1S is on the minus strand). VCF-style: chr1-201050393-C-T. GRCh37 (hg19) VCF-style: chr1-201019521-C-T.
Other names: short protein forms A1413T.
Identifiers: ClinVar variation 4531090 (VCV004531090.1).

ClinVar aggregate classification (germline): Uncertain significance (1 of 4 stars; one submission).

gnomAD v4.1: 1 of 1,614,038 alleles (0.000062%); highest among the groups gnomAD compares: East Asian, 0.0022%; no homozygotes.

Submission:

GeneDx
Classification: Uncertain significance. Last evaluated: 2025-05-22. Review status: criteria provided, single submitter. Criteria: GeneDx Variant Classification Process June 2021. Collection method: clinical testing. Allele origin: germline. Affected: yes.
Comment: Not observed at significant frequency in large population cohorts (gnomAD); In silico analysis supports that this missense variant has a deleterious effect on protein structure/function; Has not been previously published as pathogenic or benign to our knowledge